The following is an entry in ClinVar:

ClinVar aggregate classification (germline): Uncertain significance (1 of 4 stars; one submission).

Conditions:
Hypertrophic cardiomyopathy 19. Also called: Familial hypertrophic cardiomyopathy 19. Identifiers: MedGen CN077603, MONDO:0013476.

Submission:

Labcorp Genetics (formerly Invitae), Labcorp
Classification: Uncertain significance for Hypertrophic cardiomyopathy 19. Last evaluated: 2023-08-27. Review status: criteria provided, single submitter. Criteria: Invitae Variant Classification Sherloc (09022015). Collection method: clinical testing. Allele origin: germline.
Comment: This sequence change replaces threonine, which is neutral and polar, with alanine, which is neutral and non-polar, at codon 96 of the CALR3 protein (p.Thr96Ala). This variant is not present in population databases (gnomAD no frequency). This variant has not been reported in the literature in individuals affected with CALR3-related conditions. Advanced modeling of protein sequence and biophysical properties (such as structural, functional, and spatial information, amino acid conservation, physicochemical variation, residue mobility, and thermodynamic stability) performed at Invitae indicates that this missense variant is not expected to disrupt CALR3 protein function. In summary, the available evidence is currently insufficient to determine the role of this variant in disease. Therefore, it has been classified as a Variant of Uncertain Significance.

NM_145046.5(CALR3):c.286A>G (p.Thr96Ala)

Gene: CALR3 (calreticulin 3; minus strand). Cytogenetic location: 19p13.11.
Variant type: single nucleotide variant.
Coding change: c.286A>G on transcript NM_145046.5 (MANE Select); coding-DNA position 286, A replaced by G.
Protein change: p.Thr96Ala; replaces threonine 96 with alanine.
Molecular consequence: missense variant.
Genome position (GRCh38, 1-based): chr19:16,490,478, T>C on the plus strand (A>G on the coding strand, the complement: CALR3 is on the minus strand). VCF-style: chr19-16490478-T-C. GRCh37 (hg19) VCF-style: chr19-16601289-T-C.
Other names: short protein forms T96A.
Identifiers: ClinVar variation 2797027 (VCV002797027.3), dbSNP rs1370414096, ClinGen allele CA404613663.